The following is an entry in ClinVar:

ClinVar aggregate classification (germline): Conflicting classifications of pathogenicity. Review status: criteria provided, conflicting classifications (1 of 4 stars). 6 submissions from 6 submitters: Uncertain significance (5); Benign (1). Last evaluated 2026-01-26.

Conditions:
Tuberous sclerosis syndrome (TSC). Also called: Tuberous Sclerosis Complex; Tuberous sclerosis. Identifiers: Orphanet 805, MedGen C0041341, MONDO:0001734.
Tuberous sclerosis 2 (TSC2). Identifiers: Orphanet 805, MedGen C1860707, MONDO:0013199, OMIM 613254.
Hereditary cancer-predisposing syndrome. Also called: Hereditary neoplastic syndrome; Neoplastic Syndromes, Hereditary; Tumor predisposition; Hereditary Cancer Syndrome. Identifiers: Orphanet 140162, MedGen C0027672, MeSH D009386, MONDO:0015356.

Submissions (6):

Labcorp Genetics (formerly Invitae), Labcorp
Classification: Benign for Tuberous sclerosis 2. Last evaluated: 2026-01-26. Review status: criteria provided, single submitter. Criteria: Invitae Variant Classification Sherloc (09022015). Collection method: clinical testing. Allele origin: germline.

Ambry Genetics
Classification: Uncertain significance for Hereditary cancer-predisposing syndrome. Last evaluated: 2024-11-20. Review status: criteria provided, single submitter. Criteria: Ambry Variant Classification Scheme 2023. Collection method: clinical testing. Allele origin: germline.
Comment: The p.Q1010H variant (also known as c.3030G>C), located in coding exon 26 of the TSC2 gene, results from a G to C substitution at nucleotide position 3030. The glutamine at codon 1010 is replaced by histidine, an amino acid with highly similar properties. This amino acid position is highly conserved in available vertebrate species. In addition, the in silico prediction for this alteration is inconclusive. Based on the available evidence, the clinical significance of this variant remains unclear.

Color Diagnostics, LLC DBA Color Health
Classification: Uncertain significance for Tuberous sclerosis syndrome. Last evaluated: 2024-03-06. Review status: criteria provided, single submitter. Criteria: ACMG Guidelines, 2015. Collection method: clinical testing. Allele origin: germline.
Comment: This missense variant replaces glutamine with histidine at codon 1010 of the TSC2 protein. Computational prediction is inconclusive regarding the impact of this variant on protein structure and function. To our knowledge, functional studies have not been reported for this variant. This variant has not been reported in individuals affected with tuberous sclerosis complex in the literature. This variant has not been identified in the general population by the Genome Aggregation Database (gnomAD). The available evidence is insufficient to determine the role of this variant in disease conclusively. Therefore, this variant is classified as a Variant of Uncertain Significance.

All of Us Research Program, National Institutes of Health
Classification: Uncertain significance for Tuberous sclerosis syndrome. Last evaluated: 2023-12-18. Review status: criteria provided, single submitter. Criteria: ACMG Guidelines, 2015. Collection method: clinical testing. Allele origin: germline. Inheritance: Autosomal dominant inheritance. Observed: 1 variant allele, 1 heterozygote.
Comment: This missense variant replaces glutamine with histidine at codon 1010 of the TSC2 protein. Computational prediction is inconclusive regarding the impact of this variant on protein structure and function (internally defined REVEL score threshold 0.5 < inconclusive < 0.7, PMID: 27666373). To our knowledge, functional studies have not been reported for this variant. This variant has not been reported in individuals affected with tuberous sclerosis complex in the literature. This variant has not been identified in the general population by the Genome Aggregation Database (gnomAD). The available evidence is insufficient to determine the role of this variant in disease conclusively. Therefore, this variant is classified as a Variant of Uncertain Significance.

This study involves interpretation of variants in research participants for the purpose of population health screening. Participant phenotype was not available at the time of variant classification. Additional details can be found in publication PMID: 35346344, PMCID: PMC8962531

Genome-Nilou Lab
Classification: Uncertain significance for Tuberous sclerosis 2. Last evaluated: 2021-11-07. Review status: criteria provided, single submitter. Criteria: ACMG Guidelines, 2015. Collection method: clinical testing. Allele origin: germline. Affected: no.

GeneDx
Classification: Uncertain significance. Last evaluated: 2020-02-05. Review status: criteria provided, single submitter. Criteria: GeneDx Variant Classification Process June 2021. Collection method: clinical testing. Allele origin: germline. Affected: yes.
Comment: Not observed in large population cohorts (Lek et al., 2016); In silico analysis supports that this missense variant has a deleterious effect on protein structure/function; Has not been previously published as pathogenic or benign to our knowledge

NM_000548.5(TSC2):c.3030G>C (p.Gln1010His)

Gene: TSC2 (TSC complex subunit 2; plus strand). Cytogenetic location: 16p13.3.
Variant type: single nucleotide variant.
Coding change: c.3030G>C on transcript NM_000548.5 (MANE Select); coding-DNA position 3030, G replaced by C.
Protein change: p.Gln1010His; replaces glutamine 1010 with histidine.
Molecular consequence: missense variant.
Genome position (GRCh38, 1-based): chr16:2,079,095, G>C. VCF-style: chr16-2079095-G-C. GRCh37 (hg19) VCF-style: chr16-2129096-G-C.
Other names: c.2898G>C, p.Gln966His (NM_001077183.3, NM_001370404.1); c.3030G>C, p.Gln1010His (NM_001114382.3); c.2790G>C, p.Gln930His (NM_001318827.2); c.2754G>C, p.Gln918His (NM_001318829.2); c.2298G>C, p.Gln766His (NM_001318831.2); c.2931G>C, p.Gln977His (NM_001318832.2); c.2901G>C, p.Gln967His (NM_001363528.2, NM_001370405.1, NM_021055.3); short protein forms Q1010H, Q918H, Q967H, Q977H, Q930H, Q766H, Q966H.
Identifiers: ClinVar variation 467986 (VCV000467986.15), dbSNP rs776658284, ClinGen allele CA394284019.